The following is an entry in ClinVar:

ClinVar aggregate classification (germline): Uncertain significance (1 of 4 stars; one submission).

gnomAD v4.1: 1 of 1,614,108 alleles (0.000062%); highest among the groups gnomAD compares: East Asian, 0.0022%; no homozygotes.

Submission:

CeGaT Center for Human Genetics Tuebingen
Classification: Uncertain significance. Last evaluated: 2025-04-01. Review status: criteria provided, single submitter. Criteria: CeGaT Center For Human Genetics Tuebingen Variant Classification Criteria Version 2. Collection method: clinical testing. Allele origin: germline. Affected: yes. Observed: 1 variant allele.
Comment: PUM1: PM2

NM_001020658.2(PUM1):c.2180T>A (p.Ile727Asn)

Gene: PUM1 (pumilio RNA binding family member 1; minus strand). Cytogenetic location: 1p35.2.
Variant type: single nucleotide variant.
Coding change: c.2180T>A on transcript NM_001020658.2 (MANE Select); coding-DNA position 2180, T replaced by A.
Protein change: p.Ile727Asn; replaces isoleucine 727 with asparagine.
Molecular consequence: missense variant.
Genome position (GRCh38, 1-based): chr1:30,964,817, A>T on the plus strand (T>A on the coding strand, the complement: PUM1 is on the minus strand). VCF-style: chr1-30964817-A-T. GRCh37 (hg19) VCF-style: chr1-31437664-A-T.
Other names: c.2180T>A, p.Ile727Asn (NM_014676.3); short protein forms I727N.
Identifiers: ClinVar variation 3898695 (VCV003898695.7).
Genomic context (GRCh38, chr1:30,964,817, plus strand): 5'-GGCATGCCCACGGGTCCAGGAGAGGAGGAAAAGCTAAGGCCGTTATAAAAACTGTGTCCA[A>T]TGGGGGTCAAGCTGCTCGATGTCCTCTTATAAAGGTCACTGCTGCCAGTCAGGGAGTCAC-3'
Protein context (NP_001018494.1, residues 717-737): YKRTSSSLTP[Ile727Asn]GHSFYNGLSF